The following is an entry in ClinVar:

ClinVar aggregate classification (germline): Uncertain significance (1 of 4 stars; one submission).

Conditions:
Mucopolysaccharidosis type 6 (MPS6). Also called: MPS VI; ARSB DEFICIENCY; ARYLSULFATASE B DEFICIENCY; MPS 6; Maroteaux Lamy syndrome; N-ACETYLGALACTOSAMINE-4-SULFATASE DEFICIENCY. Identifiers: Orphanet 583, MedGen C0026709, MONDO:0009661, OMIM 253200.

Allele frequency attached by ClinVar (database versions not stated): gnomAD exomes 0.00001.
gnomAD v4.1: 6 of 1,319,794 alleles (0.00045%); highest among the groups gnomAD compares: South Asian, 0.013%; no homozygotes.

Submission:

Labcorp Genetics (formerly Invitae), Labcorp
Classification: Uncertain significance for Mucopolysaccharidosis type 6. Last evaluated: 2022-06-01. Review status: criteria provided, single submitter. Criteria: Invitae Variant Classification Sherloc (09022015). Collection method: clinical testing. Allele origin: germline.
Comment: This sequence change replaces glycine, which is neutral and non-polar, with aspartic acid, which is acidic and polar, at codon 2 of the ARSB protein (p.Gly2Asp). This variant is not present in population databases (gnomAD no frequency). This variant has not been reported in the literature in individuals affected with ARSB-related conditions. Advanced modeling of protein sequence and biophysical properties (such as structural, functional, and spatial information, amino acid conservation, physicochemical variation, residue mobility, and thermodynamic stability) performed at Invitae indicates that this missense variant is not expected to disrupt ARSB protein function. In summary, the available evidence is currently insufficient to determine the role of this variant in disease. Therefore, it has been classified as a Variant of Uncertain Significance.

NM_000046.5(ARSB):c.5G>A (p.Gly2Asp)

Genes: ARSB (arylsulfatase B; minus strand), LOC129994126 (ATAC-STARR-seq lymphoblastoid silent region 16127; plus strand). Cytogenetic location: 5q14.1.
Variant type: single nucleotide variant.
Coding change: c.5G>A on transcript NM_000046.5 (MANE Select); coding-DNA position 5, G replaced by A.
Protein change: p.Gly2Asp; replaces glycine 2 with aspartic acid.
Molecular consequence: missense variant.
Genome position (GRCh38, 1-based): chr5:78,985,244, C>T on the plus strand (G>A on the coding strand, the complement: ARSB is on the minus strand). VCF-style: chr5-78985244-C-T. GRCh37 (hg19) VCF-style: chr5-78281067-C-T.
Other names: c.5G>A, p.Gly2Asp (NM_198709.3); short protein forms G2D.
Identifiers: ClinVar variation 2156323 (VCV002156323.1), dbSNP rs1753133149, ClinGen allele CA360197307.